The following is an entry in ClinVar:

NM_033109.5(PNPT1):c.2070-5T>C

Gene: PNPT1 (polyribonucleotide nucleotidyltransferase 1; minus strand). Cytogenetic location: 2p16.1.
Variant type: single nucleotide variant.
Coding change: c.2070-5T>C on transcript NM_033109.5 (MANE Select); 5 bases into the intron before coding-DNA position 2070, T replaced by C.
Molecular consequence: intron variant.
Genome position (GRCh38, 1-based): chr2:55,640,710, A>G on the plus strand (T>C on the coding strand, the complement: PNPT1 is on the minus strand). VCF-style: chr2-55640710-A-G. GRCh37 (hg19) VCF-style: chr2-55867845-A-G.
Identifiers: ClinVar variation 138741 (VCV000138741.18), dbSNP rs145739483, ClinGen allele CA302870.
Genomic context (GRCh38, chr2:55,640,710, plus strand): 5'-TATGAAGCAGTACCGCAGTCATATTTGGATATAATTTTACCATTACACCAGTATCTCTAC[A>G]AAAAAATAAATAGTAAGCCTGGTTAAAATAATAAGTATCTGTATATCCATTGACAAATAA-3'

ClinVar aggregate classification (germline): Benign. Review status: criteria provided, multiple submitters, no conflicts (2 of 4 stars). 6 submissions from 6 submitters: Benign (5). 1 of the submissions does not count toward it. Last evaluated 2026-02-02.

Allele frequency attached by ClinVar (database versions not stated): 1000 Genomes Project 30x 0.00437; 1000 Genomes Project 0.00479; ESP Exome Variant Server 0.00646; TOPMed 0.00694; gnomAD 0.00699 and 0.00725; gnomAD exomes 0.00872 and 0.01171; ExAC 0.00922.
gnomAD v4.1: 17,026 of 1,525,586 alleles (1.1%); highest among the groups gnomAD compares: Middle Eastern, 2.3%; 146 homozygotes.

Submissions (6):

Labcorp Genetics (formerly Invitae), Labcorp
Classification: Benign. Last evaluated: 2026-02-02. Review status: criteria provided, single submitter. Criteria: Invitae Variant Classification Sherloc (09022015). Collection method: clinical testing. Allele origin: germline.

Athena Diagnostics
Classification: Benign. Last evaluated: 2019-12-06. Review status: criteria provided, single submitter. Criteria: Athena Diagnostics Criteria. Collection method: clinical testing. Allele origin: unknown.

Eurofins Ntd Llc (ga)
Classification: Benign. Last evaluated: 2015-05-27. Review status: criteria provided, single submitter. Criteria: EGL Classification Definitions 2015. Collection method: clinical testing. Allele origin: germline. Observed: 1 variant allele, 1 heterozygote.

GeneDx
Classification: Benign. Last evaluated: 2014-03-28. Review status: criteria provided, single submitter. Criteria: GeneDx Variant Classification (06012015). Collection method: clinical testing. Allele origin: germline. Affected: yes.
Comment: This variant is considered likely benign or benign based on one or more of the following criteria: it is a conservative change, it occurs at a poorly conserved position in the protein, it is predicted to be benign by multiple in silico algorithms, and/or has population frequency not consistent with disease.

Breakthrough Genomics
Classification: Benign. Review status: criteria provided, single submitter. Criteria: ACMG Guidelines, 2015. Collection method: not provided. Allele origin: germline. Inheritance: Autosomal recessive inheritance. Affected: yes.

Mayo Clinic Laboratories, Mayo Clinic
Classification: Benign. Last evaluated: 2016-02-22. Review status: no assertion criteria provided. Collection method: clinical testing. Allele origin: unknown. Not counted in ClinVar's aggregate classification.